The following is an entry in ClinVar:

NM_005120.3(MED12):c.5551+4A>G

Gene: MED12 (mediator complex subunit 12; plus strand). Cytogenetic location: Xq13.1.
Variant type: single nucleotide variant.
Coding change: c.5551+4A>G on transcript NM_005120.3 (MANE Select); 4 bases into the intron after coding-DNA position 5551, A replaced by G.
Molecular consequence: intron variant.
Genome position (GRCh38, 1-based): chrX:71,137,033, A>G. VCF-style: chrX-71137033-A-G. GRCh37 (hg19) VCF-style: chrX-70356883-A-G.
Identifiers: ClinVar variation 4720223 (VCV004720223.1).

ClinVar aggregate classification (germline): Uncertain significance (1 of 4 stars; one submission).

Conditions:
FG syndrome (FGS). Identifiers: MedGen C0220769, MONDO:0002010.

Submission:

Labcorp Genetics (formerly Invitae), Labcorp
Classification: Uncertain significance for FG syndrome. Last evaluated: 2026-01-02. Review status: criteria provided, single submitter. Criteria: Invitae Variant Classification Sherloc (09022015). Collection method: clinical testing. Allele origin: germline.
Comment: This sequence change falls in intron 38 of the MED12 gene. It does not directly change the encoded amino acid sequence of the MED12 protein. It affects a nucleotide within the consensus splice site. This variant is not present in population databases (gnomAD no frequency). This variant has not been reported in the literature in individuals affected with MED12-related conditions. Variants that disrupt the consensus splice site are a relatively common cause of aberrant splicing (PMID: 17576681, 9536098). Algorithms developed to predict the effect of sequence changes on RNA splicing suggest that this variant is not likely to affect RNA splicing. In summary, the available evidence is currently insufficient to determine the role of this variant in disease. Therefore, it has been classified as a Variant of Uncertain Significance.

Literature cited by the submitters: PubMed 17576681; PubMed 9536098.